The following is an entry in ClinVar:

ClinVar aggregate classification (germline): Uncertain significance (1 of 4 stars; one submission).

Allele frequency attached by ClinVar (database versions not stated): TOPMed 0.00001; ExAC 0.00003; gnomAD 0.00008 and 0.00009; gnomAD exomes 0.00008.
gnomAD v4.1: 98 of 1,614,054 alleles (0.0061%); highest among the groups gnomAD compares: Non-Finnish European, 0.004%; no homozygotes.

Submission:

Labcorp Genetics (formerly Invitae), Labcorp
Classification: Uncertain significance. Last evaluated: 2023-10-13. Review status: criteria provided, single submitter. Criteria: Invitae Variant Classification Sherloc (09022015). Collection method: clinical testing. Allele origin: germline.
Comment: This sequence change replaces leucine with valine at codon 226 of the VLDLR protein (p.Leu226Val). The leucine residue is moderately conserved and there is a small physicochemical difference between leucine and valine. This variant is present in population databases (rs751098865, gnomAD 0.09%). This variant has not been reported in the literature in individuals affected with VLDLR-related conditions. ClinVar contains an entry for this variant (Variation ID: 1482846). An algorithm developed to predict the effect of missense changes on protein structure and function (PolyPhen-2) suggests that this variant¬†is likely to be tolerated. In summary, the available evidence is currently insufficient to determine the role of this variant in disease. Therefore, it has been classified as a Variant of Uncertain Significance.

NM_003383.5(VLDLR):c.676C>G (p.Leu226Val)

Gene: VLDLR (very low density lipoprotein receptor; plus strand). Cytogenetic location: 9p24.2.
Variant type: single nucleotide variant.
Coding change: c.676C>G on transcript NM_003383.5 (MANE Select); coding-DNA position 676, C replaced by G.
Protein change: p.Leu226Val; replaces leucine 226 with valine.
Molecular consequence: missense variant.
Genome position (GRCh38, 1-based): chr9:2,643,387, C>G. VCF-style: chr9-2643387-C-G. GRCh37 (hg19) VCF-style: chr9-2643387-C-G.
Other names: c.676C>G, p.Leu226Val (NM_001018056.3); c.553C>G, p.Leu185Val (NM_001322225.2, NM_001322226.2); short protein forms L185V, L226V.
Identifiers: ClinVar variation 1482846 (VCV001482846.5), dbSNP rs751098865, ClinGen allele CA4964598.
Genomic context (GRCh38, chr9:2,643,387, plus strand): 5'-ATCCCCATCAGCTGGGTATGCGACGATGATGCAGACTGCTCCGACCAATCTGATGAGTCC[C>G]TGGAGCAGTGTGGCCGTCAGCCAGTCATACACACCAAGTGTCCAGCCAGCGAAATCCAGT-3'
Protein context (NP_003374.3, residues 216-236): ADCSDQSDES[Leu226Val]EQCGRQPVIH